The following is an entry in ClinVar:

NM_182643.3(DLC1):c.2221AGC[7] (p.Ser745_Gln746insSerSer)

Gene: DLC1 (DLC1 Rho GTPase activating protein; minus strand). Cytogenetic location: 8p22.
Variant type: Microsatellite.
Coding change: c.2221AGC[7] on transcript NM_182643.3 (MANE Select); seven copies in a row of the 3-base unit AGC starting at c.2221; the reference has five copies in a row; two copies, 6 bases duplicated.
Protein change: p.Ser745_Gln746insSerSer.
Genome position (GRCh38, 1-based): chr8:13,100,102-13,100,107, GCTGCT duplicated on the plus strand (AGCAGC on the coding strand, the reverse complement: DLC1 is on the minus strand); duplicating any 6 consecutive bases within chr8:13,100,102-13,100,117 gives the same sequence; the position shown is the placement nearest the transcript's 3' end. VCF-style (leftmost placement, unchanged base first): chr8-13100101-G-GGCTGCT. GRCh37 (hg19) VCF-style: chr8-12957610-G-GGCTGCT.
Other names: c.1147AGC[7], p.Ser387_Gln388insSerSer (NM_001413132.1); c.688AGC[7], p.Ser234_Gln235insSerSer (NM_001413133.1, NM_001413138.1, NM_001164271.2 and 6 more transcripts); c.910AGC[7], p.Ser308_Gln309insSerSer (NM_001413135.1, NM_001413136.1, NM_001413139.1 and 1 more transcripts); c.661AGC[7], p.Ser225_Gln226insSerSer (NM_001413137.1, NM_001413131.1); c.1045AGC[7], p.Ser353_Gln354insSerSer (NM_001413140.1); c.1012AGC[7], p.Ser342_Gln343insSerSer (NM_001316668.2, NM_001413129.1); c.2221AGC[7], p.Ser745_Gln746insSerSer (NM_001348081.2, NM_001413124.1); c.1003AGC[7], p.Ser339_Gln340insSerSer (NM_001413130.1).
Identifiers: ClinVar variation 3699978 (VCV003699978.2).
Genomic context (GRCh38, chr8:13,100,101, plus strand): 5'-TGAGGCTCCGGGTCCTCGTAACAGGGCTGGGCGTGCTGACCGCGCTGCTGGTCTCCGACT[G>GGCTGCT]GCTGCTGCTGCTGCTGGTCTGCGTGGAGTTGGAAACGCTCCTCTTTCGTACCATGGGGAC-3'

ClinVar aggregate classification (germline): Uncertain significance (1 of 4 stars; one submission).

Submission:

Labcorp Genetics (formerly Invitae), Labcorp
Classification: Uncertain significance. Last evaluated: 2025-03-27. Review status: criteria provided, single submitter. Criteria: Invitae Variant Classification Sherloc (09022015). Collection method: clinical testing. Allele origin: germline.
Comment: This variant, c.2230_2235dup, results in the insertion of 2 amino acid(s) of the DLC1 protein (p.Ser744_Ser745dup), but otherwise preserves the integrity of the reading frame. This variant is not present in population databases (gnomAD no frequency). This variant has not been reported in the literature in individuals affected with DLC1-related conditions. In summary, the available evidence is currently insufficient to determine the role of this variant in disease. Therefore, it has been classified as a Variant of Uncertain Significance.